The following is an entry in ClinVar:

ClinVar aggregate classification (germline): Uncertain significance (1 of 4 stars; one submission).

Conditions:
L-2-hydroxyglutaric aciduria (L2HGA). Identifiers: Orphanet 79314, MedGen C1855995, MONDO:0009370, OMIM 236792, HP:0040144.

Allele frequency attached by ClinVar (database versions not stated): TOPMed below 0.00001; gnomAD 0.00001; gnomAD exomes 0.00002; ExAC 0.00007; 1000 Genomes Project 30x 0.00031; 1000 Genomes Project 0.00040.
gnomAD v4.1: 25 of 1,614,078 alleles (0.0015%); highest among the groups gnomAD compares: South Asian, 0.026%; no homozygotes.

Submission:

Labcorp Genetics (formerly Invitae), Labcorp
Classification: Uncertain significance for L-2-hydroxyglutaric aciduria. Last evaluated: 2022-05-17. Review status: criteria provided, single submitter. Criteria: Invitae Variant Classification Sherloc (09022015). Collection method: clinical testing. Allele origin: germline.
Comment: In summary, the available evidence is currently insufficient to determine the role of this variant in disease. Therefore, it has been classified as a Variant of Uncertain Significance. Algorithms developed to predict the effect of missense changes on protein structure and function are either unavailable or do not agree on the potential impact of this missense change (SIFT: "Tolerated"; PolyPhen-2: "Probably Damaging"; Align-GVGD: "Class C0"). This variant has not been reported in the literature in individuals affected with L2HGDH-related conditions. This variant is present in population databases (rs531663473, gnomAD 0.05%). This sequence change replaces glutamic acid, which is acidic and polar, with valine, which is neutral and non-polar, at codon 268 of the L2HGDH protein (p.Glu268Val).

NM_024884.3(L2HGDH):c.803A>T (p.Glu268Val)

Gene: L2HGDH (L-2-hydroxyglutarate dehydrogenase; minus strand). Cytogenetic location: 14q21.3.
Variant type: single nucleotide variant.
Coding change: c.803A>T on transcript NM_024884.3 (MANE Select); coding-DNA position 803, A replaced by T.
Protein change: p.Glu268Val; replaces glutamic acid 268 with valine.
Molecular consequence: missense variant.
Genome position (GRCh38, 1-based): chr14:50,269,266, T>A on the plus strand (A>T on the coding strand, the complement: L2HGDH is on the minus strand). VCF-style: chr14-50269266-T-A. GRCh37 (hg19) VCF-style: chr14-50735984-T-A.
Other names: short protein forms E268V.
Identifiers: ClinVar variation 2163046 (VCV002163046.4), dbSNP rs531663473, ClinGen allele CA7177883.